The following is an entry in ClinVar:

NM_001792.5(CDH2):c.*8G>C

Genes: CDH2 (cadherin 2; minus strand), CDH2-AS1 (CDH2 antisense RNA 1; plus strand). Cytogenetic location: 18q12.1.
Variant type: single nucleotide variant.
Coding change: c.*8G>C on transcript NM_001792.5 (MANE Select); 8 bases downstream of the stop codon, G replaced by C.
Molecular consequence: 3 prime UTR variant.
Genome position (GRCh38, 1-based): chr18:27,952,145, C>G on the plus strand (G>C on the coding strand, the complement: CDH2 is on the minus strand). VCF-style: chr18-27952145-C-G. GRCh37 (hg19) VCF-style: chr18-25532109-C-G.
Other names: c.*8G>C (NM_001308176.2).
Identifiers: ClinVar variation 3051291 (VCV003051291.2), dbSNP rs771948589, ClinGen allele CA8923084.
Genomic context (GRCh38, chr18:27,952,145, plus strand): 5'-TGAATGCTTTTTGGGAATATCAGTTGAAATTGTTTGTACTTGTCCAAAAACCAAGTTCAC[C>G]CTGAAGTTCAGTCATCACCTCCACCATACATGTCAGCAAGTTTCTTGAACCGTGGCCCCC-3'

ClinVar aggregate classification (germline): Likely benign (0 of 4 stars; one submission).

Conditions:
CDH2-related disorder. Also called: CDH2-related condition.

Allele frequency attached by ClinVar (database versions not stated): gnomAD 0.00001; ExAC 0.00003.
gnomAD v4.1: 70 of 1,611,490 alleles (0.0043%); highest among the groups gnomAD compares: Non-Finnish European, 0.0057%; no homozygotes.

Submission:

PreventionGenetics, part of Exact Sciences
Classification: Likely benign for CDH2-related condition. Last evaluated: 2022-04-25. Review status: no assertion criteria provided. Collection method: clinical testing. Allele origin: germline.
Comment: This variant is classified as likely benign based on ACMG/AMP sequence variant interpretation guidelines (Richards et al. 2015 PMID: 25741868, with internal and published modifications).